The following is an entry in ClinVar:

NM_000875.5(IGF1R):c.3094A>G (p.Ile1032Val)

Gene: IGF1R (insulin like growth factor 1 receptor; plus strand). Cytogenetic location: 15q26.3.
Variant type: single nucleotide variant.
Coding change: c.3094A>G on transcript NM_000875.5 (MANE Select); coding-DNA position 3094, A replaced by G.
Protein change: p.Ile1032Val; replaces isoleucine 1032 with valine.
Molecular consequence: missense variant.
Genome position (GRCh38, 1-based): chr15:98,934,961, A>G. VCF-style: chr15-98934961-A-G. GRCh37 (hg19) VCF-style: chr15-99478190-A-G.
Other names: c.3091A>G, p.Ile1031Val (NM_001291858.2); c.3094A>G (NM_000875.3); short protein forms I1031V, I1032V.
Identifiers: ClinVar variation 2751390 (VCV002751390.4), dbSNP rs374208921, ClinGen allele CA7752612.

ClinVar aggregate classification (germline): Uncertain significance. Review status: criteria provided, multiple submitters, no conflicts (2 of 4 stars). 2 submissions from 2 submitters: Uncertain significance (2). Last evaluated 2025-02-18.

Conditions:
Inborn genetic diseases. Identifiers: MedGen C0950123, MeSH D030342.

Allele frequency attached by ClinVar (database versions not stated): gnomAD exomes below 0.00001; gnomAD 0.00007; ESP Exome Variant Server 0.00008; TOPMed 0.00015; ExAC 0.00001.
gnomAD v4.1: 16 of 1,614,086 alleles (0.00099%); highest among the groups gnomAD compares: African/African-American, 0.019%; no homozygotes.

Submissions (2):

Labcorp Genetics (formerly Invitae), Labcorp
Classification: Uncertain significance. Last evaluated: 2025-02-18. Review status: criteria provided, single submitter. Criteria: Invitae Variant Classification Sherloc (09022015). Collection method: clinical testing. Allele origin: germline.
Comment: This sequence change replaces isoleucine, which is neutral and non-polar, with valine, which is neutral and non-polar, at codon 1032 of the IGF1R protein (p.Ile1032Val). This variant is present in population databases (rs374208921, gnomAD 0.02%). This variant has not been reported in the literature in individuals affected with IGF1R-related conditions. ClinVar contains an entry for this variant (Variation ID: 2751390). Invitae Evidence Modeling of protein sequence and biophysical properties (such as structural, functional, and spatial information, amino acid conservation, physicochemical variation, residue mobility, and thermodynamic stability) indicates that this missense variant is not expected to disrupt IGF1R protein function with a negative predictive value of 80%. In summary, the available evidence is currently insufficient to determine the role of this variant in disease. Therefore, it has been classified as a Variant of Uncertain Significance.

Ambry Genetics
Classification: Uncertain significance for Inborn genetic diseases. Last evaluated: 2023-02-22. Review status: criteria provided, single submitter. Criteria: Ambry Variant Classification Scheme 2023. Collection method: clinical testing. Allele origin: germline.